The following is an entry in ClinVar:

NM_013266.4(CTNNA3):c.1379T>C (p.Ile460Thr)

Gene: CTNNA3 (catenin alpha 3; minus strand). Cytogenetic location: 10q21.3.
Variant type: single nucleotide variant.
Coding change: c.1379T>C on transcript NM_013266.4 (MANE Select); coding-DNA position 1379, T replaced by C.
Protein change: p.Ile460Thr; replaces isoleucine 460 with threonine.
Molecular consequence: missense variant.
Genome position (GRCh38, 1-based): chr10:66,520,769, A>G on the plus strand (T>C on the coding strand, the complement: CTNNA3 is on the minus strand). VCF-style: chr10-66520769-A-G. GRCh37 (hg19) VCF-style: chr10-68280527-A-G.
Other names: c.1379T>C, p.Ile460Thr (NM_001127384.3); short protein forms I460T.
Identifiers: ClinVar variation 1771238 (VCV001771238.2), dbSNP rs2547261822, ClinGen allele CA377091516.

ClinVar aggregate classification (germline): Uncertain significance (1 of 4 stars; one submission).

Allele frequency attached by ClinVar (database versions not stated): gnomAD exomes 0.00001.
gnomAD v4.1: 8 of 1,612,112 alleles (0.0005%); highest among the groups gnomAD compares: South Asian, 0.0044%; no homozygotes.

Submission:

Ambry Genetics
Classification: Uncertain significance. Last evaluated: 2021-06-25. Review status: criteria provided, single submitter. Criteria: Ambry Variant Classification Scheme 2023. Collection method: clinical testing. Allele origin: germline.
Comment: The p.I460T variant (also known as c.1379T>C), located in coding exon 10 of the CTNNA3 gene, results from a T to C substitution at nucleotide position 1379. The isoleucine at codon 460 is replaced by threonine, an amino acid with similar properties. This amino acid position is conserved. In addition, the in silico prediction for this alteration is inconclusive. Since supporting evidence is limited at this time, the clinical significance of this alteration remains unclear.